The following is an entry in ClinVar:

NM_031942.5(CDCA7):c.472C>T (p.Arg158Trp)

Gene: CDCA7 (cell division cycle associated 7; plus strand). Cytogenetic location: 2q31.1.
Variant type: single nucleotide variant.
Coding change: c.472C>T on transcript NM_031942.5 (MANE Select); coding-DNA position 472, C replaced by T.
Protein change: p.Arg158Trp; replaces arginine 158 with tryptophan.
Molecular consequence: missense variant.
Genome position (GRCh38, 1-based): chr2:173,363,313, C>T. VCF-style: chr2-173363313-C-T. GRCh37 (hg19) VCF-style: chr2-174228041-C-T.
Other names: c.235C>T, p.Arg79Trp (NM_145810.3); short protein forms R158W, R79W.
Identifiers: ClinVar variation 1991412 (VCV001991412.1), dbSNP rs368509427, ClinGen allele CA1971250.

ClinVar aggregate classification (germline): Uncertain significance (1 of 4 stars; one submission).

Allele frequency attached by ClinVar (database versions not stated): gnomAD 0.00001; ExAC 0.00002; gnomAD exomes 0.00002; TOPMed 0.00002; ESP Exome Variant Server 0.00008.
gnomAD v4.1: 25 of 1,614,016 alleles (0.0015%); highest among the groups gnomAD compares: Non-Finnish European, 0.0019%; no homozygotes.

Submission:

Labcorp Genetics (formerly Invitae), Labcorp
Classification: Uncertain significance. Last evaluated: 2022-07-15. Review status: criteria provided, single submitter. Criteria: Invitae Variant Classification Sherloc (09022015). Collection method: clinical testing. Allele origin: germline.
Comment: This sequence change replaces arginine, which is basic and polar, with tryptophan, which is neutral and slightly polar, at codon 158 of the CDCA7 protein (p.Arg158Trp). This variant is present in population databases (rs368509427, gnomAD 0.004%). This variant has not been reported in the literature in individuals affected with CDCA7-related conditions. Algorithms developed to predict the effect of missense changes on protein structure and function (SIFT, PolyPhen-2, Align-GVGD) all suggest that this variant is likely to be disruptive. In summary, the available evidence is currently insufficient to determine the role of this variant in disease. Therefore, it has been classified as a Variant of Uncertain Significance.